The following is an entry in ClinVar:

NM_000444.6(PHEX):c.1479del (p.Ala494fs)

Genes: PHEX (phosphate regulating endopeptidase X-linked; plus strand), PHEX-AS1 (PHEX antisense RNA 1; minus strand). Cytogenetic location: Xp22.11.
Variant type: Deletion.
Coding change: c.1479del on transcript NM_000444.6 (MANE Select); coding-DNA position 1479, one base deleted (A; older notation c.1479delA).
Protein change: p.Ala494fs; shifts the reading frame from alanine 494.
Molecular consequence: frameshift variant.
Genome position (GRCh38, 1-based): chrX:22,168,386, A deleted; the last of 3 consecutive A bases (chrX:22,168,384-22,168,386); deleting any one gives the same sequence. VCF-style (leftmost placement, unchanged base first): chrX-22168383-CA-C. GRCh37 (hg19) VCF-style: chrX-22186500-CA-C.
Other names: c.1479del, p.Ala494fs (NM_001282754.2); short protein forms A494fs.
Identifiers: ClinVar variation 2814748 (VCV002814748.3), dbSNP rs2147118833, ClinGen allele CA2739268142.

ClinVar aggregate classification (germline): Pathogenic (1 of 4 stars; one submission).

Submission:

Labcorp Genetics (formerly Invitae), Labcorp
Classification: Pathogenic. Last evaluated: 2023-08-04. Review status: criteria provided, single submitter. Criteria: Invitae Variant Classification Sherloc (09022015). Collection method: clinical testing. Allele origin: germline.
Comment: For these reasons, this variant has been classified as Pathogenic. This variant has not been reported in the literature in individuals affected with PHEX-related conditions. This variant is not present in population databases (gnomAD no frequency). This sequence change creates a premature translational stop signal (p.Ala494Leufs*20) in the PHEX gene. It is expected to result in an absent or disrupted protein product. Loss-of-function variants in PHEX are known to be pathogenic (PMID: 9097956, 9106524, 19219621).

Literature cited by the submitters: PubMed 9097956; PubMed 9106524; PubMed 19219621.